The following is an entry in ClinVar:

ClinVar aggregate classification (germline): Likely benign. Review status: criteria provided, multiple submitters, no conflicts (2 of 4 stars). 3 submissions from 3 submitters: Likely benign (2). 1 of the submissions does not count toward it. Last evaluated 2026-01-18.

Conditions:
SLC9A1-related disorder. Also called: SLC9A1-related condition.

Allele frequency attached by ClinVar (database versions not stated): gnomAD 0.00007; TOPMed 0.00007; gnomAD exomes 0.00010; ExAC 0.00002.
gnomAD v4.1: 156 of 1,613,774 alleles (0.0097%); highest among the groups gnomAD compares: African/African-American, 0.013%; no homozygotes.

Submissions (3):

Labcorp Genetics (formerly Invitae), Labcorp
Classification: Likely benign. Last evaluated: 2026-01-18. Review status: criteria provided, single submitter. Criteria: Invitae Variant Classification Sherloc (09022015). Collection method: clinical testing. Allele origin: germline.

Mayo Clinic Laboratories, Mayo Clinic
Classification: Likely benign. Last evaluated: 2025-05-02. Review status: criteria provided, single submitter. Criteria: ACMG Guidelines, 2015. Collection method: clinical testing. Allele origin: germline. Observed: 1 variant allele.
Comment: BP4, BP7

PreventionGenetics, part of Exact Sciences
Classification: Likely benign for SLC9A1-related condition. Last evaluated: 2019-08-26. Review status: no assertion criteria provided. Collection method: clinical testing. Allele origin: germline. Not counted in ClinVar's aggregate classification.
Comment: This variant is classified as likely benign based on ACMG/AMP sequence variant interpretation guidelines (Richards et al. 2015 PMID: 25741868, with internal and published modifications).

NM_003047.5(SLC9A1):c.987C>T (p.Ile329=)

Gene: SLC9A1 (solute carrier family 9 member A1; minus strand). Cytogenetic location: 1p36.11.
Variant type: single nucleotide variant.
Coding change: c.987C>T on transcript NM_003047.5 (MANE Select); coding-DNA position 987, C replaced by T.
Protein change: p.Ile329=; no amino-acid change (isoleucine 329 retained).
Molecular consequence: synonymous variant. On other transcripts: non-coding transcript variant (1).
Genome position (GRCh38, 1-based): chr1:27,109,604, G>A on the plus strand (C>T on the coding strand, the complement: SLC9A1 is on the minus strand). VCF-style: chr1-27109604-G-A. GRCh37 (hg19) VCF-style: chr1-27436095-G-A.
Other names: p.Ile329=.
Identifiers: ClinVar variation 3053578 (VCV003053578.5), dbSNP rs768515736, ClinGen allele CA711213.